The following is an entry in ClinVar:

ClinVar aggregate classification (germline): Benign/Likely benign. Review status: criteria provided, multiple submitters, no conflicts (2 of 4 stars). 4 submissions from 4 submitters: Benign (1); Likely benign (2). 1 of the submissions does not count toward it. Last evaluated 2024-10-23.

Conditions:
Holoprosencephaly 9 (HPE9). Also called: HOLOPROSENCEPHALY WITH MICROPHTHALMIA AND FIRST BRANCHIAL ARCH ANOMALIES; PITUITARY ANOMALIES WITH HOLOPROSENCEPHALY-LIKE FEATURES. Identifiers: Orphanet 2162, MedGen C1835819, MONDO:0012563, OMIM 610829.
Postaxial polydactyly-anterior pituitary anomalies-facial dysmorphism syndrome. Also called: Culler-Jones syndrome. Identifiers: Orphanet 420584, MedGen C4014479, MONDO:0014369, OMIM 615849.
GLI2-related disorder. Also called: GLI2-related disorders; GLI2-related condition.

Allele frequency attached by ClinVar (database versions not stated): gnomAD 0.00001 and 0.00009; TOPMed 0.00006; gnomAD exomes 0.00039; 1000 Genomes Project 0.00040; 1000 Genomes Project 30x 0.00047; ExAC 0.00051.
gnomAD v4.1: 253 of 1,612,276 alleles (0.016%); highest among the groups gnomAD compares: South Asian, 0.23%; 2 homozygotes.

Submissions (4):

Labcorp Genetics (formerly Invitae), Labcorp
Classification: Likely benign for Postaxial polydactyly-anterior pituitary anomalies-facial dysmorphism syndrome; Holoprosencephaly 9. Last evaluated: 2024-10-23. Review status: criteria provided, single submitter. Criteria: Invitae Variant Classification Sherloc (09022015). Collection method: clinical testing. Allele origin: germline.

Blueprint Genetics
Classification: Likely benign. Last evaluated: 2022-08-05. Review status: criteria provided, single submitter. Criteria: ACMG Guidelines, 2015. Collection method: clinical testing. Allele origin: germline.

Illumina Laboratory Services, Illumina
Classification: Benign for Holoprosencephaly 9. Last evaluated: 2018-01-13. Review status: criteria provided, single submitter. Criteria: ICSL Variant Classification Criteria 13 December 2019. Collection method: clinical testing. Allele origin: germline.
Comment: This variant was observed in the ICSL laboratory as part of a predisposition screen in an ostensibly healthy population. It had not been previously curated by ICSL or reported in the Human Gene Mutation Database (HGMD: prior to June 1st, 2018), and was therefore a candidate for classification through an automated scoring system. Utilizing variant allele frequency, disease prevalence and penetrance estimates, and inheritance mode, an automated score was calculated to assess if this variant is too frequent to cause the disease. Based on the score and internal cut-off values, a variant classified as benign is not then subjected to further curation. The score for this variant resulted in a classification of benign for this disease.

PreventionGenetics, part of Exact Sciences
Classification: Likely benign for GLI2-related condition. Last evaluated: 2019-06-28. Review status: no assertion criteria provided. Collection method: clinical testing. Allele origin: germline. Not counted in ClinVar's aggregate classification.
Comment: This variant is classified as likely benign based on ACMG/AMP sequence variant interpretation guidelines (Richards et al. 2015 PMID: 25741868, with internal and published modifications).

NM_001374353.1(GLI2):c.595G>A (p.Gly199Ser)

Gene: GLI2 (GLI family zinc finger 2; plus strand). Cytogenetic location: 2q14.2.
Variant type: single nucleotide variant.
Coding change: c.595G>A on transcript NM_001374353.1 (MANE Select); coding-DNA position 595, G replaced by A.
Protein change: p.Gly199Ser; replaces glycine 199 with serine.
Molecular consequence: missense variant.
Genome position (GRCh38, 1-based): chr2:120,955,382, G>A. VCF-style: chr2-120955382-G-A. GRCh37 (hg19) VCF-style: chr2-121712958-G-A.
Other names: c.595G>A, p.Gly199Ser (NM_001371271.1, NM_005270.5); c.220G>A, p.Gly74Ser (NM_001374354.1); short protein forms G199S, G74S.
Identifiers: ClinVar variation 330967 (VCV000330967.16), dbSNP rs542892514, ClinGen allele CA1851583.
Genomic context (GRCh38, chr2:120,955,382, plus strand): 5'-CAGATGACCCTCGTGGCAGGCCACCCCGCGCCCTACGGGGACCTGCTGATGCAGAGCGGG[G>A]GCGCTGCCAGCGCACCCCATCTCCACGACTACCTCAACCCCGTGGACGGTGAGTGCTGGC-3'
Protein context (NP_001361282.1, residues 189-209): PYGDLLMQSG[Gly199Ser]AASAPHLHDY